The following is an entry in ClinVar:

ClinVar aggregate classification (germline): Uncertain significance. Review status: criteria provided, multiple submitters, no conflicts (2 of 4 stars). 3 submissions from 3 submitters: Uncertain significance (3). Last evaluated 2026-02-01.

Conditions:
Inborn genetic diseases. Identifiers: MedGen C0950123, MeSH D030342.
DSG1-related disorder. Also called: DSG1-related condition.

Allele frequency attached by ClinVar (database versions not stated): gnomAD exomes 0.00005 and 0.00001; ExAC 0.00001; gnomAD 0.00004 and 0.00005; TOPMed 0.00004.
gnomAD v4.1: 83 of 1,614,082 alleles (0.0051%); highest among the groups gnomAD compares: Non-Finnish European, 0.0068%; no homozygotes.

Submissions (3):

Labcorp Genetics (formerly Invitae), Labcorp
Classification: Uncertain significance. Last evaluated: 2026-02-01. Review status: criteria provided, single submitter. Criteria: Invitae Variant Classification Sherloc (09022015). Collection method: clinical testing. Allele origin: germline.
Comment: This sequence change replaces glutamic acid, which is acidic and polar, with lysine, which is basic and polar, at codon 942 of the DSG1 protein (p.Glu942Lys). This variant is present in population databases (rs757887746, gnomAD 0.005%). This variant has not been reported in the literature in individuals affected with DSG1-related conditions. ClinVar contains an entry for this variant (Variation ID: 1372028). An algorithm developed to predict the effect of missense changes on protein structure and function (PolyPhen-2) suggests that this variant is likely to be tolerated. In summary, the available evidence is currently insufficient to determine the role of this variant in disease. Therefore, it has been classified as a Variant of Uncertain Significance.

Ambry Genetics
Classification: Uncertain significance for Inborn genetic diseases. Last evaluated: 2025-01-08. Review status: criteria provided, single submitter. Criteria: Ambry Variant Classification Scheme 2023. Collection method: clinical testing. Allele origin: germline.

PreventionGenetics, part of Exact Sciences
Classification: Uncertain significance for DSG1-related condition. Last evaluated: 2024-12-18. Review status: criteria provided, single submitter. Criteria: ACMG Guidelines, 2015. Collection method: clinical testing. Allele origin: germline.
Comment: The DSG1 c.2824G>A variant is predicted to result in the amino acid substitution p.Glu942Lys. To our knowledge, this variant has not been reported in the literature. This variant is reported in 0.0050% of alleles in individuals of East Asian descent in gnomAD. At this time, the clinical significance of this variant is uncertain due to the absence of conclusive functional and genetic evidence.

NM_001942.4(DSG1):c.2824G>A (p.Glu942Lys)

Genes: DSG1 (desmoglein 1; plus strand), DSG1-AS1 (DSG1 antisense RNA 1; minus strand). Cytogenetic location: 18q12.1.
Variant type: single nucleotide variant.
Coding change: c.2824G>A on transcript NM_001942.4 (MANE Select); coding-DNA position 2824, G replaced by A.
Protein change: p.Glu942Lys; replaces glutamic acid 942 with lysine.
Molecular consequence: missense variant.
Genome position (GRCh38, 1-based): chr18:31,355,020, G>A. VCF-style: chr18-31355020-G-A. GRCh37 (hg19) VCF-style: chr18-28934983-G-A.
Other names: c.2824G>A (NM_001942.2, NM_001942.3); short protein forms E942K.
Identifiers: ClinVar variation 1372028 (VCV001372028.10), dbSNP rs757887746, ClinGen allele CA8926457.